The following is an entry in ClinVar:

NM_004655.4(AXIN2):c.1365_1367delinsGGA (p.Gly456Asp)

Gene: AXIN2 (axin 2; minus strand). Cytogenetic location: 17q24.1.
Variant type: Indel.
Coding change: c.1365_1367delinsGGA on transcript NM_004655.4 (MANE Select); coding-DNA positions 1365 to 1367, AGG replaced by GGA.
Protein change: p.Gly456Asp; replaces glycine 456 with aspartic acid.
Molecular consequence: missense variant.
Genome position (GRCh38, 1-based): chr17:65,537,669-65,537,671, CCT replaced by TCC on the plus strand (AGG replaced by GGA on the coding strand, the reverse complement: AXIN2 is on the minus strand). VCF-style: chr17-65537669-CCT-TCC. GRCh37 (hg19) VCF-style: chr17-63533787-CCT-TCC.
Other names: c.1365_1367delinsGGA, p.Gly456Asp (NM_001363813.1); short protein forms G456D.
Identifiers: ClinVar variation 3981155 (VCV003981155.1).
Genomic context (GRCh38, chr17:65,537,669, plus strand): 5'-TGCGAATGGTGGTGGTGGTGGTGGTCCGGGGAGCGGGAGCGGGGGCTATAGCGGCCTACG[CCT>TCC]GGAGACTGGCAGCCAGGGGTCTTGAGGACCCTGGACAGGTGATCGTCCAGTATCGTCTGC-3'
Protein context (NP_004646.3, residues 446-466): VLKTPGCQSP[Gly456Asp]VGRYSPRSRS

ClinVar aggregate classification (germline): Uncertain significance (1 of 4 stars; one submission).

Conditions:
Hereditary cancer-predisposing syndrome. Also called: Tumor predisposition; Hereditary neoplastic syndrome; Neoplastic Syndromes, Hereditary; Hereditary Cancer Syndrome. Identifiers: Orphanet 140162, MedGen C0027672, MeSH D009386, MONDO:0015356.

Submission:

Ambry Genetics
Classification: Uncertain significance for Hereditary cancer-predisposing syndrome. Last evaluated: 2025-05-23. Review status: criteria provided, single submitter. Criteria: Ambry Variant Classification Scheme 2023. Collection method: clinical testing. Allele origin: germline.
Comment: The c.1365_1367delAGGinsGGA variant (also known as p.G456D), located in coding exon 5 of the AXIN2 gene, results from an in-frame deletion of AGG and insertion of GGA at nucleotide positions 1365 to 1367. This results in the substitution of the glycine residue for an aspartic acid residue at codon 456, an amino acid with similar properties. This amino acid position is highly conserved in available vertebrate species. In addition, the in silico prediction for this variant is inconclusive (Choi Y et al. PLoS ONE. 2012; 7(10):e46688). Based on the available evidence, the clinical significance of this variant remains unclear.